The following is an entry in ClinVar:

NM_004380.3(CREBBP):c.5638C>T (p.Gln1880Ter)

Gene: CREBBP (CREB binding lysine acetyltransferase; minus strand). Cytogenetic location: 16p13.3.
Variant type: single nucleotide variant.
Coding change: c.5638C>T on transcript NM_004380.3 (MANE Select); coding-DNA position 5638, C replaced by T.
Protein change: p.Gln1880Ter; replaces glutamine 1880 with a stop codon.
Molecular consequence: nonsense.
Genome position (GRCh38, 1-based): chr16:3,729,409, G>A on the plus strand (C>T on the coding strand, the complement: CREBBP is on the minus strand). VCF-style: chr16-3729409-G-A. GRCh37 (hg19) VCF-style: chr16-3779410-G-A.
Other names: c.5524C>T, p.Gln1842Ter (NM_001079846.1); short protein forms Q1880*, Q1842*.
Identifiers: ClinVar variation 619238 (VCV000619238.4), dbSNP rs2151309318, ClinGen allele CA394555848.

ClinVar aggregate classification (germline): Pathogenic. Review status: criteria provided, multiple submitters, no conflicts (2 of 4 stars). 2 submissions from 2 submitters: Pathogenic (2). Last evaluated 2022-12-10.

Conditions:
Rubinstein-Taybi syndrome due to CREBBP mutations (RSTS1). Also called: RUBINSTEIN-TAYBI SYNDROME 1, INCOMPLETE; RUBINSTEIN SYNDROME; BROAD THUMBS AND GREAT TOES, CHARACTERISTIC FACIES, AND IMPAIRED INTELLECTUAL DEVELOPMENT; Rubinstein-Taybi syndrome 1; BROAD THUMB-HALLUX SYNDROME; CREBBP-Related Rubinstein-Taybi Syndrome. Identifiers: Orphanet 353277, Orphanet 783, MedGen C4551859, MONDO:0008393, OMIM 180849.
Rubinstein-Taybi syndrome (RSTS). Identifiers: Orphanet 783, MedGen C0035934, MONDO:0019188.

Submissions (2):

Baylor Genetics
Classification: Pathogenic for Rubinstein-Taybi syndrome due to CREBBP mutations. Last evaluated: 2022-12-10. Review status: criteria provided, single submitter. Criteria: ACMG Guidelines, 2015. Collection method: clinical testing. Allele origin: unknown.

Labcorp Genetics (formerly Invitae), Labcorp
Classification: Pathogenic for Rubinstein-Taybi syndrome. Last evaluated: 2022-11-08. Review status: criteria provided, single submitter. Criteria: Invitae Variant Classification Sherloc (09022015). Collection method: clinical testing. Allele origin: germline.
Comment: This sequence change creates a premature translational stop signal (p.Gln1880*) in the CREBBP gene. While this is not anticipated to result in nonsense mediated decay, it is expected to disrupt the last 563 amino acid(s) of the CREBBP protein. This variant is not present in population databases (gnomAD no frequency). This premature translational stop signal has been observed in individual(s) with CREBBP-related conditions and/or Rubinstein–Taybi syndrome (PMID: 28600779, 31637876, 33502061). This variant disrupts a region of the CREBBP protein in which other variant(s) (p.Met2225Alafs*78) have been determined to be pathogenic (PMID: 32170002). This suggests that this is a clinically significant region of the protein, and that variants that disrupt it are likely to be disease-causing. For these reasons, this variant has been classified as Pathogenic.

Literature cited by the submitters: PubMed 28600779 (cited by Labcorp Genetics (formerly Invitae), Labcorp); PubMed 31637876 (cited by Labcorp Genetics (formerly Invitae), Labcorp); PubMed 33502061 (cited by Labcorp Genetics (formerly Invitae), Labcorp); PubMed 32170002 (cited by Labcorp Genetics (formerly Invitae), Labcorp).